The following is an entry in ClinVar:

NM_014241.4(HACD1):c.341C>T (p.Thr114Ile)

Gene: HACD1 (3-hydroxyacyl-CoA dehydratase 1; minus strand). Cytogenetic location: 10p12.33.
Variant type: single nucleotide variant.
Coding change: c.341C>T on transcript NM_014241.4 (MANE Select); coding-DNA position 341, C replaced by T.
Protein change: p.Thr114Ile; replaces threonine 114 with isoleucine.
Molecular consequence: missense variant.
Genome position (GRCh38, 1-based): chr10:17,603,964, G>A on the plus strand (C>T on the coding strand, the complement: HACD1 is on the minus strand). VCF-style: chr10-17603964-G-A. GRCh37 (hg19) VCF-style: chr10-17645963-G-A.
Other names: c.341C>T (NM_014241.3); short protein forms T114I.
Identifiers: ClinVar variation 1356439 (VCV001356439.6), dbSNP rs1014885693, ClinGen allele CA203677390.

ClinVar aggregate classification (germline): Uncertain significance. Review status: criteria provided, multiple submitters, no conflicts (2 of 4 stars). 2 submissions from 2 submitters: Uncertain significance (2). Last evaluated 2025-11-24.

Conditions:
Inborn genetic diseases. Identifiers: MedGen C0950123, MeSH D030342.

Allele frequency attached by ClinVar (database versions not stated): gnomAD 0.00005 and 0.00006; gnomAD exomes 0.00001; TOPMed 0.00022.
gnomAD v4.1: 20 of 1,611,238 alleles (0.0012%); highest among the groups gnomAD compares: Admixed American, 0.025%; no homozygotes.

Submissions (2):

Ambry Genetics
Classification: Uncertain significance for Inborn genetic diseases. Last evaluated: 2025-11-24. Review status: criteria provided, single submitter. Criteria: Ambry Variant Classification Scheme 2023. Collection method: clinical testing. Allele origin: germline.

Labcorp Genetics (formerly Invitae), Labcorp
Classification: Uncertain significance. Last evaluated: 2022-08-10. Review status: criteria provided, single submitter. Criteria: Invitae Variant Classification Sherloc (09022015). Collection method: clinical testing. Allele origin: germline.
Comment: In summary, the available evidence is currently insufficient to determine the role of this variant in disease. Therefore, it has been classified as a Variant of Uncertain Significance. Algorithms developed to predict the effect of missense changes on protein structure and function (SIFT, PolyPhen-2, Align-GVGD) all suggest that this variant is likely to be tolerated. ClinVar contains an entry for this variant (Variation ID: 1356439). This variant has not been reported in the literature in individuals affected with HACD1-related conditions. This variant is present in population databases (no rsID available, gnomAD 0.009%). This sequence change replaces threonine, which is neutral and polar, with isoleucine, which is neutral and non-polar, at codon 114 of the HACD1 protein (p.Thr114Ile).